The following is an entry in ClinVar:

ClinVar aggregate classification (germline): Uncertain significance. Review status: criteria provided, multiple submitters, no conflicts (2 of 4 stars). 2 submissions from 2 submitters: Uncertain significance (2). Last evaluated 2025-08-30.

Conditions:
Hereditary cancer-predisposing syndrome. Also called: Hereditary neoplastic syndrome; Neoplastic Syndromes, Hereditary; Tumor predisposition; Hereditary Cancer Syndrome. Identifiers: Orphanet 140162, MedGen C0027672, MeSH D009386, MONDO:0015356.

Allele frequency attached by ClinVar (database versions not stated): gnomAD exomes below 0.00001; TOPMed below 0.00001; gnomAD 0.00001.
gnomAD v4.1: 2 of 1,613,094 alleles (0.00012%); highest among the groups gnomAD compares: Non-Finnish European, 0.00017%; no homozygotes.

Submissions (2):

Ambry Genetics
Classification: Uncertain significance for Hereditary cancer-predisposing syndrome. Last evaluated: 2025-08-30. Review status: criteria provided, single submitter. Criteria: Ambry Variant Classification Scheme 2023. Collection method: clinical testing. Allele origin: germline.
Comment: The p.T365I variant (also known as c.1094C>T), located in coding exon 7 of the MSH3 gene, results from a C to T substitution at nucleotide position 1094. The threonine at codon 365 is replaced by isoleucine, an amino acid with similar properties. This amino acid position is conserved. In addition, the in silico prediction for this alteration is inconclusive. Since supporting evidence is limited at this time, the clinical significance of this alteration remains unclear.

Labcorp Genetics (formerly Invitae), Labcorp
Classification: Uncertain significance. Last evaluated: 2025-05-22. Review status: criteria provided, single submitter. Criteria: Invitae Variant Classification Sherloc (09022015). Collection method: clinical testing. Allele origin: germline.
Comment: This sequence change replaces threonine, which is neutral and polar, with isoleucine, which is neutral and non-polar, at codon 365 of the MSH3 protein (p.Thr365Ile). This variant is present in population databases (no rsID available, gnomAD 0.0009%). This variant has not been reported in the literature in individuals affected with MSH3-related conditions. ClinVar contains an entry for this variant (Variation ID: 940334). An algorithm developed to predict the effect of missense changes on protein structure and function (PolyPhen-2) suggests that this variant is likely to be tolerated. In summary, the available evidence is currently insufficient to determine the role of this variant in disease. Therefore, it has been classified as a Variant of Uncertain Significance.

NM_002439.5(MSH3):c.1094C>T (p.Thr365Ile)

Gene: MSH3 (mutS homolog 3; plus strand). Cytogenetic location: 5q14.1.
Variant type: single nucleotide variant.
Coding change: c.1094C>T on transcript NM_002439.5 (MANE Select); coding-DNA position 1094, C replaced by T.
Protein change: p.Thr365Ile; replaces threonine 365 with isoleucine.
Molecular consequence: missense variant.
Genome position (GRCh38, 1-based): chr5:80,675,049, C>T. VCF-style: chr5-80675049-C-T. GRCh37 (hg19) VCF-style: chr5-79970868-C-T.
Other names: short protein forms T365I.
Identifiers: ClinVar variation 940334 (VCV000940334.13), dbSNP rs1204053199, ClinGen allele CA360268070.